The following is an entry in ClinVar:

ClinVar aggregate classification (germline): Uncertain significance. Review status: criteria provided, single submitter (1 of 4 stars). 2 submissions from 2 submitters: Uncertain significance (1). 1 of the submissions does not count toward it. Last evaluated 2017-06-20.

Conditions:
NPHP1-related disorder. Also called: NPHP1-related disorders; NPHP1-related condition.

Allele frequency attached by ClinVar (database versions not stated): gnomAD exomes 0.00001 and 0.00002; ExAC 0.00003; ESP Exome Variant Server 0.00008; gnomAD 0.00009 and 0.00010; TOPMed 0.00012.
gnomAD v4.1: 35 of 1,613,708 alleles (0.0022%); highest among the groups gnomAD compares: African/African-American, 0.047%; no homozygotes.

Submissions (2):

Eurofins Ntd Llc (ga)
Classification: Uncertain significance. Last evaluated: 2017-06-20. Review status: criteria provided, single submitter. Criteria: EGL Classification Definitions 2015. Collection method: clinical testing. Allele origin: germline. Observed: 1 variant allele, 1 heterozygote.

PreventionGenetics, part of Exact Sciences
Classification: Likely benign for NPHP1-related condition. Last evaluated: 2024-05-01. Review status: no assertion criteria provided. Collection method: clinical testing. Allele origin: germline. Not counted in ClinVar's aggregate classification.
Comment: This variant is classified as likely benign based on ACMG/AMP sequence variant interpretation guidelines (Richards et al. 2015 PMID: 25741868, with internal and published modifications).

NM_001128178.3(NPHP1):c.*1C>T

Gene: NPHP1 (nephrocystin 1; minus strand). Cytogenetic location: 2q13.
Variant type: single nucleotide variant.
Coding change: c.*1C>T on transcript NM_001128178.3 (MANE Select); 1 bases downstream of the stop codon, C replaced by T.
Molecular consequence: 3 prime UTR variant.
Genome position (GRCh38, 1-based): chr2:110,123,790, G>A on the plus strand (C>T on the coding strand, the complement: NPHP1 is on the minus strand). VCF-style: chr2-110123790-G-A. GRCh37 (hg19) VCF-style: chr2-110881367-G-A.
Other names: c.*1C>T (NM_000272.5, NM_001128179.3, NM_001374256.1 and 2 more transcripts); c.*277C>T (NM_001374257.1).
Identifiers: ClinVar variation 502508 (VCV000502508.6), dbSNP rs376898832, ClinGen allele CA1826830.
Genomic context (GRCh38, chr2:110,123,790, plus strand): 5'-CACGTAATCGTGGAGGATCCATCTGATTCCGTGGGAAGCTGAGGGCTAGAGGCTGCCACT[G>A]TCACACTGCATTCTTTCTCATTTCACCCAAGAAGTCATAGGTCTGCTCTGAAAGGTCAAA-3'